The following is an entry in ClinVar:

ClinVar aggregate classification (germline): Conflicting classifications of pathogenicity. Review status: criteria provided, conflicting classifications (1 of 4 stars). 4 submissions from 4 submitters: Uncertain significance (1); Benign (1); Likely benign (2). Last evaluated 2026-03-02.

Conditions:
ATP6V0A4-related disorder. Also called: ATP6V0A4-related condition.
Autosomal recessive distal renal tubular acidosis. Identifiers: Orphanet 402041, MedGen C1864498, MONDO:0018440.

Allele frequency attached by ClinVar (database versions not stated): ExAC 0.00022; gnomAD 0.00024 and 0.00025; gnomAD exomes 0.00024 and 0.00029; ESP Exome Variant Server 0.00031; TOPMed 0.00034; 1000 Genomes Project 0.00040; 1000 Genomes Project 30x 0.00062.
gnomAD v4.1: 463 of 1,614,126 alleles (0.029%); highest among the groups gnomAD compares: Non-Finnish European, 0.036%; 1 homozygote.

Submissions (4):

PreventionGenetics, part of Exact Sciences
Classification: Likely benign for ATP6V0A4-related condition. Last evaluated: 2026-03-02. Review status: criteria provided, single submitter. Criteria: ACMG Guidelines, 2015. Collection method: clinical testing. Allele origin: germline.
Comment: This variant is classified as likely benign based on ACMG/AMP sequence variant interpretation guidelines (Richards et al. 2015 PMID: 25741868, with internal and published modifications).

Labcorp Genetics (formerly Invitae), Labcorp
Classification: Benign. Last evaluated: 2026-01-26. Review status: criteria provided, single submitter. Criteria: Invitae Variant Classification Sherloc (09022015). Collection method: clinical testing. Allele origin: germline.

Blueprint Genetics
Classification: Likely benign. Last evaluated: 2024-09-07. Review status: criteria provided, single submitter. Criteria: ACMG Guidelines, 2015. Collection method: clinical testing. Allele origin: germline.

Illumina Laboratory Services, Illumina
Classification: Uncertain significance for Renal tubular acidosis, distal, 3, with or without sensorineural hearing loss. Last evaluated: 2018-01-12. Review status: criteria provided, single submitter. Criteria: ICSL Variant Classification Criteria 13 December 2019. Collection method: clinical testing. Allele origin: germline.

NM_020632.3(ATP6V0A4):c.1977G>A (p.Pro659=)

Gene: ATP6V0A4 (ATPase H+ transporting V0 subunit a4; minus strand). Cytogenetic location: 7q34.
Variant type: single nucleotide variant.
Coding change: c.1977G>A on transcript NM_020632.3 (MANE Select); coding-DNA position 1977, G replaced by A.
Protein change: p.Pro659=; no amino-acid change (proline 659 retained).
Molecular consequence: synonymous variant.
Genome position (GRCh38, 1-based): chr7:138,728,794, C>T on the plus strand (G>A on the coding strand, the complement: ATP6V0A4 is on the minus strand). VCF-style: chr7-138728794-C-T. GRCh37 (hg19) VCF-style: chr7-138413539-C-T.
Other names: c.1977G>A, p.Pro659= (NM_130840.3, NM_130841.3).
Identifiers: ClinVar variation 359010 (VCV000359010.14), dbSNP rs186997078, ClinGen allele CA4504577.